The following is an entry in ClinVar:

ClinVar aggregate classification (germline): Uncertain significance (1 of 4 stars; one submission).

Conditions:
Aicardi-Goutieres syndrome 6 (AGS6). Identifiers: Orphanet 51, MedGen C3539013, MONDO:0014007, OMIM 615010.
Symmetrical dyschromatosis of extremities (DSH). Also called: Dyschromatosis symmetrica hereditaria; DYSCHROMATOSIS SYMMETRICA HEREDITARIA 1; RETICULATE ACROPIGMENTATION OF DOHI; SYMMETRIC DYSCHROMATOSIS OF THE EXTREMITIES. Identifiers: Orphanet 41, MedGen C0406775, MONDO:0007483, OMIM 127400.

Allele frequency attached by ClinVar (database versions not stated): gnomAD exomes below 0.00001.
gnomAD v4.1: 11 of 1,614,210 alleles (0.00068%); highest among the groups gnomAD compares: Non-Finnish European, 0.00093%; no homozygotes.

Submission:

Labcorp Genetics (formerly Invitae), Labcorp
Classification: Uncertain significance for Aicardi-Goutieres syndrome 6; Symmetrical dyschromatosis of extremities. Last evaluated: 2024-04-05. Review status: criteria provided, single submitter. Criteria: Invitae Variant Classification Sherloc (09022015). Collection method: clinical testing. Allele origin: germline.
Comment: This sequence change replaces serine, which is neutral and polar, with asparagine, which is neutral and polar, at codon 516 of the ADAR protein (p.Ser516Asn). This variant is present in population databases (no rsID available, gnomAD 0.0009%). This variant has not been reported in the literature in individuals affected with ADAR-related conditions. ClinVar contains an entry for this variant (Variation ID: 846190). Advanced modeling of protein sequence and biophysical properties (such as structural, functional, and spatial information, amino acid conservation, physicochemical variation, residue mobility, and thermodynamic stability) performed at Invitae indicates that this missense variant is not expected to disrupt ADAR protein function with a negative predictive value of 80%. In summary, the available evidence is currently insufficient to determine the role of this variant in disease. Therefore, it has been classified as a Variant of Uncertain Significance.

NM_001111.5(ADAR):c.1547G>A (p.Ser516Asn)

Gene: ADAR (adenosine deaminase RNA specific; minus strand). Cytogenetic location: 1q21.3.
Variant type: single nucleotide variant.
Coding change: c.1547G>A on transcript NM_001111.5 (MANE Select); coding-DNA position 1547, G replaced by A.
Protein change: p.Ser516Asn; replaces serine 516 with asparagine.
Molecular consequence: missense variant.
Genome position (GRCh38, 1-based): chr1:154,601,095, C>T on the plus strand (G>A on the coding strand, the complement: ADAR is on the minus strand). VCF-style: chr1-154601095-C-T. GRCh37 (hg19) VCF-style: chr1-154573571-C-T.
Other names: c.662G>A, p.Ser221Asn (NM_001025107.3, NM_001193495.2, NM_001365046.1 and 3 more transcripts); c.1574G>A, p.Ser525Asn (NM_001365045.1); c.1547G>A, p.Ser516Asn (NM_015840.4, NM_015841.4); short protein forms S221N, S516N, S525N.
Identifiers: ClinVar variation 846190 (VCV000846190.7), dbSNP rs1457807318, ClinGen allele CA342596033.